The following is an entry in ClinVar:

ClinVar aggregate classification (germline): Likely pathogenic (1 of 4 stars; one submission).

Conditions:
Lynch syndrome 4 (LYNCH4). Also called: Colorectal cancer, hereditary nonpolyposis, type 4; Hereditary non-polyposis colorectal cancer, type 4. Identifiers: Orphanet 144, MedGen C1838333, MONDO:0013699, OMIM 614337. Disease mechanism: loss of function.

Submission:

Myriad Genetics, Inc.
Classification: Likely pathogenic for Lynch syndrome 4. Last evaluated: 2024-06-18. Review status: criteria provided, single submitter. Criteria: Myriad Autosomal Dominant, Autosomal Recessive and X-Linked Classification Criteria (2023). Collection method: clinical testing. Allele origin: unknown.
Comment: This variant is considered likely pathogenic. This variant occurs within a consensus splice junction and is predicted to result in abnormal mRNA splicing of either an out-of-frame exon or an in-frame exon necessary for protein stability and/or normal function.

NM_000535.7(PMS2):c.24-5_26del

Gene: PMS2 (PMS1 homolog 2, mismatch repair system component; minus strand). Cytogenetic location: 7p22.1.
Variant type: Deletion.
Coding change: c.24-5_26del on transcript NM_000535.7 (MANE Select); 5 bases into the intron before coding-DNA position 24 through coding-DNA position 26, 8 bases deleted (TCTAGTAC; older notation c.24-5_26delTCTAGTAC).
Molecular consequence: splice acceptor variant. On other transcripts: intron variant (22).
Genome position (GRCh38, 1-based): chr7:6,006,029-6,006,036, GTACTAGA deleted on the plus strand (TCTAGTAC on the coding strand, the reverse complement: PMS2 is on the minus strand); deleting any 8 consecutive bases within chr7:6,006,029-6,006,037 gives the same sequence; the c. name uses the placement nearest the transcript's 3' end. VCF-style (leftmost placement, unchanged base first): chr7-6006028-TGTACTAGA-T. GRCh37 (hg19) VCF-style: chr7-6045659-TGTACTAGA-T.
Other names: c.-52-1978_-52-1971del (NM_001322008.2); c.-218-1978_-218-1971del (NM_001406881.1); c.-189-1978_-189-1971del (NM_001406895.1); c.-242-1978_-242-1971del (NM_001406911.1, NM_001322010.2, NM_001322004.2); c.-321-1978_-321-1971del (NM_001406879.1); c.-187-10_-187-3del (NM_001406902.1, NM_001406883.1); c.-324-10_-324-3del (NM_001406904.1, NM_001406889.1); c.-377-10_-377-3del (NM_001322013.2, NM_001406905.1, NM_001406906.1 and 6 more transcripts); and 12 more.
Identifiers: ClinVar variation 3254409 (VCV003254409.1), dbSNP rs2536594780.